The following is an entry in ClinVar:

ClinVar aggregate classification (germline): Uncertain significance (1 of 4 stars; one submission).

Conditions:
HECW2-related disorder. Also called: HECW2-related condition.

gnomAD v4.1: 2 of 1,613,598 alleles (0.00012%); highest among the groups gnomAD compares: South Asian, 0.0022%; no homozygotes.

Submission:

PreventionGenetics, part of Exact Sciences
Classification: Uncertain significance for HECW2-related condition. Last evaluated: 2026-09-03. Review status: criteria provided, single submitter. Criteria: ACMG Guidelines, 2015. Collection method: clinical testing. Allele origin: germline.
Comment: The HECW2 c.4667A>G variant is predicted to result in the amino acid substitution p.Tyr1556Cys. To our knowledge, this variant has not been reported in the literature. This variant is reported in 0.0033% of alleles in individuals of South Asian descent in gnomAD. At this time, the clinical significance of this variant is uncertain due to the absence of conclusive functional and genetic evidence.

NM_001348768.2(HECW2):c.4667A>G (p.Tyr1556Cys)

Gene: HECW2 (HECT, C2 and WW domain containing E3 ubiquitin protein ligase 2; minus strand). Cytogenetic location: 2q32.3.
Variant type: single nucleotide variant.
Coding change: c.4667A>G on transcript NM_001348768.2 (MANE Select); coding-DNA position 4667, A replaced by G.
Protein change: p.Tyr1556Cys; replaces tyrosine 1556 with cysteine.
Molecular consequence: missense variant.
Genome position (GRCh38, 1-based): chr2:196,201,329, T>C on the plus strand (A>G on the coding strand, the complement: HECW2 is on the minus strand). VCF-style: chr2-196201329-T-C. GRCh37 (hg19) VCF-style: chr2-197066053-T-C.
Other names: c.3599A>G, p.Tyr1200Cys (NM_001304840.3); c.4667A>G, p.Tyr1556Cys (NM_020760.4); short protein forms Y1200C, Y1556C.
Identifiers: ClinVar variation 4996323 (VCV004996323.1).